The following is an entry in ClinVar:

ClinVar aggregate classification (germline): Uncertain significance (1 of 4 stars; one submission).

Conditions:
Hereditary cancer-predisposing syndrome. Also called: Tumor predisposition; Neoplastic Syndromes, Hereditary; Hereditary neoplastic syndrome; Hereditary Cancer Syndrome. Identifiers: Orphanet 140162, MedGen C0027672, MeSH D009386, MONDO:0015356.

Submission:

Ambry Genetics
Classification: Uncertain significance for Hereditary cancer-predisposing syndrome. Last evaluated: 2025-09-04. Review status: criteria provided, single submitter. Criteria: Ambry Variant Classification Scheme 2023. Collection method: clinical testing. Allele origin: germline.
Comment: The p.S885A variant (also known as c.2653T>G), located in coding exon 19 of the MSH3 gene, results from a T to G substitution at nucleotide position 2653. The serine at codon 885 is replaced by alanine, an amino acid with similar properties. This amino acid position is not well conserved in available vertebrate species. In addition, this alteration is predicted to be tolerated by in silico analysis. Based on the available evidence, the clinical significance of this variant remains unclear.

NM_002439.5(MSH3):c.2653T>G (p.Ser885Ala)

Gene: MSH3 (mutS homolog 3; plus strand). Cytogenetic location: 5q14.1.
Variant type: single nucleotide variant.
Coding change: c.2653T>G on transcript NM_002439.5 (MANE Select); coding-DNA position 2653, T replaced by G.
Protein change: p.Ser885Ala; replaces serine 885 with alanine.
Molecular consequence: missense variant.
Genome position (GRCh38, 1-based): chr5:80,792,842, T>G. VCF-style: chr5-80792842-T-G. GRCh37 (hg19) VCF-style: chr5-80088661-T-G.
Other names: short protein forms S885A.
Identifiers: ClinVar variation 4111114 (VCV004111114.1).